The following is an entry in ClinVar:

NM_001205293.3(CACNA1E):c.1371T>C (p.Tyr457=)

Gene: CACNA1E (calcium voltage-gated channel subunit alpha1 E; plus strand). Cytogenetic location: 1q25.3.
Variant type: single nucleotide variant.
Coding change: c.1371T>C on transcript NM_001205293.3 (MANE Select); coding-DNA position 1371, T replaced by C.
Protein change: p.Tyr457=; no amino-acid change (tyrosine 457 retained).
Molecular consequence: synonymous variant.
Genome position (GRCh38, 1-based): chr1:181,717,148, T>C. VCF-style: chr1-181717148-T-C. GRCh37 (hg19) VCF-style: chr1-181686284-T-C.
Other names: c.1371T>C, p.Tyr457= (NM_000721.4, NM_001205294.2); c.1371T>C (NM_000721.3).
Identifiers: ClinVar variation 1637050 (VCV001637050.11), dbSNP rs903431469, ClinGen allele CA33819138.

ClinVar aggregate classification (germline): Likely benign. Review status: criteria provided, multiple submitters, no conflicts (2 of 4 stars). 3 submissions from 3 submitters: Likely benign (2). 1 of the submissions does not count toward it. Last evaluated 2026-08-01.

Conditions:
CACNA1E-related disorder. Also called: CACNA1E-related condition.

Allele frequency attached by ClinVar (database versions not stated): gnomAD exomes below 0.00001 and 0.00001; gnomAD 0.00003; TOPMed 0.00006.
gnomAD v4.1: 10 of 1,613,938 alleles (0.00062%); highest among the groups gnomAD compares: African/African-American, 0.0093%; no homozygotes.

Submissions (3):

CeGaT Center for Human Genetics Tuebingen
Classification: Likely benign. Last evaluated: 2026-08-01. Review status: criteria provided, single submitter. Criteria: CeGaT Center For Human Genetics Tuebingen Variant Classification Criteria Version 2. Collection method: clinical testing. Allele origin: germline. Affected: yes. Observed: 1 variant allele.
Comment: CACNA1E: BP4, BP7

Labcorp Genetics (formerly Invitae), Labcorp
Classification: Likely benign. Last evaluated: 2025-12-01. Review status: criteria provided, single submitter. Criteria: Invitae Variant Classification Sherloc (09022015). Collection method: clinical testing. Allele origin: germline.

PreventionGenetics, part of Exact Sciences
Classification: Likely benign for CACNA1E-related condition. Last evaluated: 2019-08-27. Review status: no assertion criteria provided. Collection method: clinical testing. Allele origin: germline. Not counted in ClinVar's aggregate classification.
Comment: This variant is classified as likely benign based on ACMG/AMP sequence variant interpretation guidelines (Richards et al. 2015 PMID: 25741868, with internal and published modifications).